The following is an entry in ClinVar:

NM_152365.3(KDF1):c.273C>T (p.Cys91=)

Gene: KDF1 (keratinocyte differentiation factor 1; minus strand). Cytogenetic location: 1p36.11.
Variant type: single nucleotide variant.
Coding change: c.273C>T on transcript NM_152365.3 (MANE Select); coding-DNA position 273, C replaced by T.
Protein change: p.Cys91=; no amino-acid change (cysteine 91 retained).
Molecular consequence: synonymous variant.
Genome position (GRCh38, 1-based): chr1:26,952,108, G>A on the plus strand (C>T on the coding strand, the complement: KDF1 is on the minus strand). VCF-style: chr1-26952108-G-A. GRCh37 (hg19) VCF-style: chr1-27278599-G-A.
Identifiers: ClinVar variation 3041332 (VCV003041332.2), dbSNP rs561551802, ClinGen allele CA710356.

ClinVar aggregate classification (germline): Likely benign (0 of 4 stars; one submission).

Conditions:
KDF1-related disorder. Also called: KDF1-related condition.

Allele frequency attached by ClinVar (database versions not stated): TOPMed below 0.00001; gnomAD 0.00003; gnomAD exomes 0.00006; ExAC 0.00015; 1000 Genomes Project 30x 0.00047; 1000 Genomes Project 0.00060.
gnomAD v4.1: 89 of 1,613,388 alleles (0.0055%); highest among the groups gnomAD compares: South Asian, 0.093%; 2 homozygotes.

Submission:

PreventionGenetics, part of Exact Sciences
Classification: Likely benign for KDF1-related condition. Last evaluated: 2019-05-08. Review status: no assertion criteria provided. Collection method: clinical testing. Allele origin: germline.
Comment: This variant is classified as likely benign based on ACMG/AMP sequence variant interpretation guidelines (Richards et al. 2015 PMID: 25741868, with internal and published modifications).